The following is an entry in ClinVar:

ClinVar aggregate classification (germline): Benign (0 of 4 stars; one submission).

Conditions:
UACA-related disorder. Also called: UACA-related condition.

Allele frequency attached by ClinVar (database versions not stated): TOPMed 0.00104; gnomAD 0.00111; gnomAD exomes 0.00121; ExAC 0.00227; 1000 Genomes Project 30x 0.00593; 1000 Genomes Project 0.00639.
gnomAD v4.1: 1,940 of 1,613,382 alleles (0.12%); highest among the groups gnomAD compares: East Asian, 4%; 57 homozygotes.

Submission:

PreventionGenetics, part of Exact Sciences
Classification: Benign for UACA-related condition. Last evaluated: 2020-06-08. Review status: no assertion criteria provided. Collection method: clinical testing. Allele origin: germline.
Comment: This variant is classified as benign based on ACMG/AMP sequence variant interpretation guidelines (Richards et al. 2015 PMID: 25741868, with internal and published modifications).

NM_018003.4(UACA):c.2441T>C (p.Ile814Thr)

Gene: UACA (uveal autoantigen with coiled-coil domains and ankyrin repeats; minus strand). Cytogenetic location: 15q23.
Variant type: single nucleotide variant.
Coding change: c.2441T>C on transcript NM_018003.4 (MANE Select); coding-DNA position 2441, T replaced by C.
Protein change: p.Ile814Thr; replaces isoleucine 814 with threonine.
Molecular consequence: missense variant.
Genome position (GRCh38, 1-based): chr15:70,668,243, A>G on the plus strand (T>C on the coding strand, the complement: UACA is on the minus strand). VCF-style: chr15-70668243-A-G. GRCh37 (hg19) VCF-style: chr15-70960582-A-G.
Other names: c.2402T>C, p.Ile801Thr (NM_001008224.3); short protein forms I801T, I814T.
Identifiers: ClinVar variation 3035524 (VCV003035524.2), dbSNP rs3743315, ClinGen allele CA7637005.
Genomic context (GRCh38, chr15:70,668,243, plus strand): 5'-CATTTTTTCTTAAGTTCAGACAGCTGTTTCTTAAGTTCAACAATATTGGATTTCAGAGCT[A>G]TTATCTCTTTTTCATGTTTCTCAGGAGGTACAAACACAGTTTCTAGGCGGCTTACATCCT-3'
Protein context (NP_060473.2, residues 804-824): VPPEKHEKEI[Ile814Thr]ALKSNIVELK